The following is an entry in ClinVar:

ClinVar aggregate classification (germline): Uncertain significance (1 of 4 stars; one submission).

Conditions:
Ehlers-Danlos syndrome, kyphoscoliotic type 1 (EDSKSCL1). Also called: EHLERS-DANLOS SYNDROME, OCULAR-SCOLIOTIC TYPE; Ehlers-Danlos syndrome, hydroxylysine-deficient; EHLERS-DANLOS SYNDROME, TYPE VIA; PLOD1-Related Kyphoscoliotic Ehlers-Danlos Syndrome. Identifiers: Orphanet 1900, MedGen C0268342, MONDO:0016002, OMIM 225400. Disease mechanism: loss of function.

gnomAD v4.1: 2 of 1,613,740 alleles (0.00012%); no homozygotes.

Submission:

Labcorp Genetics (formerly Invitae), Labcorp
Classification: Uncertain significance for Ehlers-Danlos syndrome, kyphoscoliotic type 1. Last evaluated: 2021-12-03. Review status: criteria provided, single submitter. Criteria: Invitae Variant Classification Sherloc (09022015). Collection method: clinical testing. Allele origin: germline.
Comment: This sequence change replaces leucine, which is neutral and non-polar, with valine, which is neutral and non-polar, at codon 253 of the PLOD1 protein (p.Leu253Val). This variant is not present in population databases (gnomAD no frequency). This variant has not been reported in the literature in individuals affected with PLOD1-related conditions. Algorithms developed to predict the effect of missense changes on protein structure and function are either unavailable or do not agree on the potential impact of this missense change (SIFT: "Deleterious"; PolyPhen-2: "Benign"; Align-GVGD: "Class C0"). In summary, the available evidence is currently insufficient to determine the role of this variant in disease. Therefore, it has been classified as a Variant of Uncertain Significance.

NM_000302.4(PLOD1):c.757C>G (p.Leu253Val)

Gene: PLOD1 (procollagen-lysine,2-oxoglutarate 5-dioxygenase 1; plus strand). Cytogenetic location: 1p36.22.
Variant type: single nucleotide variant.
Coding change: c.757C>G on transcript NM_000302.4 (MANE Select); coding-DNA position 757, C replaced by G.
Protein change: p.Leu253Val; replaces leucine 253 with valine.
Molecular consequence: missense variant.
Genome position (GRCh38, 1-based): chr1:11,957,857, C>G. VCF-style: chr1-11957857-C-G. GRCh37 (hg19) VCF-style: chr1-12017914-C-G.
Other names: c.898C>G, p.Leu300Val (NM_001316320.2); short protein forms L300V, L253V.
Identifiers: ClinVar variation 1489415 (VCV001489415.6), dbSNP rs2100751390, ClinGen allele CA338432538.